The following is an entry in ClinVar:

ClinVar aggregate classification (germline): Uncertain significance (1 of 4 stars; one submission).

Conditions:
Epileptic encephalopathy. Identifiers: MedGen C0543888, HP:0200134.

Submission:

Labcorp Genetics (formerly Invitae), Labcorp
Classification: Uncertain significance for Epileptic encephalopathy. Last evaluated: 2021-08-31. Review status: criteria provided, single submitter. Criteria: Invitae Variant Classification Sherloc (09022015). Collection method: clinical testing. Allele origin: germline.
Comment: This variant, c.10788_10790del, results in the deletion of 1 amino acid(s) of the RYR3 protein (p.Glu3596del), but otherwise preserves the integrity of the reading frame. This variant is present in population databases (rs772825862, ExAC 0.09%). This variant has not been reported in the literature in individuals affected with RYR3-related conditions. Experimental studies and prediction algorithms are not available or were not evaluated, and the functional significance of this variant is currently unknown. In summary, the available evidence is currently insufficient to determine the role of this variant in disease. Therefore, it has been classified as a Variant of Uncertain Significance.

NM_001036.6(RYR3):c.10782AGA[2] (p.Glu3596del)

Gene: RYR3 (ryanodine receptor 3; plus strand). Cytogenetic location: 15q14.
Variant type: Microsatellite.
Coding change: c.10782AGA[2] on transcript NM_001036.6 (MANE Select); two copies in a row of the 3-base unit AGA starting at c.10782; the reference has three copies in a row; one copy, 3 bases deleted.
Protein change: p.Glu3596del; deletes glutamic acid 3596.
Molecular consequence: inframe deletion.
Genome position (GRCh38, 1-based): chr15:33,820,785-33,820,787, AGA deleted; deleting any 3 consecutive bases within chr15:33,820,777-33,820,787 gives the same sequence; the position shown is the placement nearest the transcript's 3' end. VCF-style (leftmost placement, unchanged base first): chr15-33820776-TGAA-T. GRCh37 (hg19) VCF-style: chr15-34112977-TGAA-T.
Other names: c.10767AGA[2], p.Glu3591del (NM_001243996.4); short protein forms E3591del, E3596del.
Identifiers: ClinVar variation 664274 (VCV000664274.6), dbSNP rs772825862, ClinGen allele CA7460980.